The following is an entry in ClinVar:

ClinVar aggregate classification (germline): Uncertain significance (1 of 4 stars; one submission).

Submission:

Labcorp Genetics (formerly Invitae), Labcorp
Classification: Uncertain significance. Last evaluated: 2024-09-16. Review status: criteria provided, single submitter. Criteria: Invitae Variant Classification Sherloc (09022015). Collection method: clinical testing. Allele origin: germline.
Comment: This sequence change replaces aspartic acid, which is acidic and polar, with glycine, which is neutral and non-polar, at codon 3239 of the ANK3 protein (p.Asp3239Gly). This variant is not present in population databases (gnomAD no frequency). This variant has not been reported in the literature in individuals affected with ANK3-related conditions. Invitae Evidence Modeling of protein sequence and biophysical properties (such as structural, functional, and spatial information, amino acid conservation, physicochemical variation, residue mobility, and thermodynamic stability) indicates that this missense variant is not expected to disrupt ANK3 protein function with a negative predictive value of 80%. In summary, the available evidence is currently insufficient to determine the role of this variant in disease. Therefore, it has been classified as a Variant of Uncertain Significance.

NM_020987.5(ANK3):c.9716A>G (p.Asp3239Gly)

Gene: ANK3 (ankyrin 3; minus strand). Cytogenetic location: 10q21.2.
Variant type: single nucleotide variant.
Coding change: c.9716A>G on transcript NM_020987.5 (MANE Select); coding-DNA position 9716, A replaced by G.
Protein change: p.Asp3239Gly; replaces aspartic acid 3239 with glycine.
Molecular consequence: missense variant. On other transcripts: intron variant (4).
Genome position (GRCh38, 1-based): chr10:60,071,165, T>C on the plus strand (A>G on the coding strand, the complement: ANK3 is on the minus strand). VCF-style: chr10-60071165-T-C. GRCh37 (hg19) VCF-style: chr10-61830923-T-C.
Other names: c.4388-3156A>G (NM_001204403.2); c.4409-3156A>G (NM_001204404.2); c.4406-3156A>G (NM_001320874.2); c.1808-3156A>G (NM_001149.4); short protein forms D3239G.
Identifiers: ClinVar variation 3654208 (VCV003654208.2).